The following is an entry in ClinVar:

NM_000038.6(APC):c.7775T>G (p.Val2592Gly)

Gene: APC (APC regulator of Wnt signaling pathway; plus strand). Cytogenetic location: 5q22.2.
Variant type: single nucleotide variant.
Coding change: c.7775T>G on transcript NM_000038.6 (MANE Select); coding-DNA position 7775, T replaced by G.
Protein change: p.Val2592Gly; replaces valine 2592 with glycine.
Molecular consequence: missense variant.
Genome position (GRCh38, 1-based): chr5:112,843,369, T>G. VCF-style: chr5-112843369-T-G. GRCh37 (hg19) VCF-style: chr5-112179066-T-G.
Other names: c.7775T>G, p.Val2592Gly (NM_001127510.3, NM_001354895.2, NM_001407450.1); c.7721T>G, p.Val2574Gly (NM_001127511.3); c.7829T>G, p.Val2610Gly (NM_001354896.2, NM_001407447.1, NM_001407448.1 and 1 more transcripts); c.7805T>G, p.Val2602Gly (NM_001354897.2); c.7700T>G, p.Val2567Gly (NM_001354898.2); c.7691T>G, p.Val2564Gly (NM_001354899.2); c.7652T>G, p.Val2551Gly (NM_001354900.2); c.7598T>G, p.Val2533Gly (NM_001354901.2, NM_001407453.1); and 11 more; short protein forms V2463G, V2491G, V2501G, V2551G, V2620G, V2208G, V2432G, V2533G.
Identifiers: ClinVar variation 1760562 (VCV001760562.2), dbSNP rs1766565207, ClinGen allele CA16038224.

ClinVar aggregate classification (germline): Uncertain significance (1 of 4 stars; one submission).

Conditions:
Hereditary cancer-predisposing syndrome. Also called: Neoplastic Syndromes, Hereditary; Tumor predisposition; Hereditary Cancer Syndrome; Hereditary neoplastic syndrome. Identifiers: Orphanet 140162, MedGen C0027672, MeSH D009386, MONDO:0015356.

Allele frequency attached by ClinVar (database versions not stated): gnomAD exomes below 0.00001; gnomAD 0.00001.
gnomAD v4.1: 2 of 1,613,796 alleles (0.00012%); highest among the groups gnomAD compares: Admixed American, 0.0017%; no homozygotes.

Submission:

Ambry Genetics
Classification: Uncertain significance for Hereditary cancer-predisposing syndrome. Last evaluated: 2020-08-03. Review status: criteria provided, single submitter. Criteria: Ambry Variant Classification Scheme 2023. Collection method: clinical testing. Allele origin: germline.
Comment: The p.V2592G variant (also known as c.7775T>G), located in coding exon 15 of the APC gene, results from a T to G substitution at nucleotide position 7775. The valine at codon 2592 is replaced by glycine, an amino acid with dissimilar properties. This amino acid position is well conserved in available vertebrate species. In addition, in silico predictors for this gene do not accurately predict pathogenicity. Since supporting evidence is limited at this time, the clinical significance of this alteration remains unclear.